The following is an entry in ClinVar:

ClinVar aggregate classification (germline): Conflicting classifications of pathogenicity. Review status: criteria provided, conflicting classifications (1 of 4 stars). 2 submissions from 2 submitters: Uncertain significance (1); Likely benign (1). Last evaluated 2024-12-15.

Conditions:
Dilated cardiomyopathy 1O (CMD1O). Also called: CARDIOMYOPATHY, DILATED, WITH VENTRICULAR TACHYCARDIA. Identifiers: Orphanet 154, MedGen C1837839, MONDO:0012062, OMIM 608569.

gnomAD v4.1: 1 of 1,613,338 alleles (0.000062%); highest among the groups gnomAD compares: African/African-American, 0.0013%; no homozygotes.

Submissions (2):

Labcorp Genetics (formerly Invitae), Labcorp
Classification: Uncertain significance for Dilated cardiomyopathy 1O. Last evaluated: 2024-12-15. Review status: criteria provided, single submitter. Criteria: Invitae Variant Classification Sherloc (09022015). Collection method: clinical testing. Allele origin: germline.
Comment: This sequence change falls in intron 24 of the ABCC9 gene. It does not directly change the encoded amino acid sequence of the ABCC9 protein. This variant is present in population databases (no rsID available, gnomAD 0.01%). This variant has not been reported in the literature in individuals affected with ABCC9-related conditions. ClinVar contains an entry for this variant (Variation ID: 392318). Algorithms developed to predict the effect of sequence changes on RNA splicing suggest that this variant may disrupt the consensus splice site. In summary, the available evidence is currently insufficient to determine the role of this variant in disease. Therefore, it has been classified as a Variant of Uncertain Significance.

GeneDx
Classification: Likely benign. Last evaluated: 2017-01-03. Review status: criteria provided, single submitter. Criteria: GeneDx Variant Classification (06012015). Collection method: clinical testing. Allele origin: germline. Affected: yes.
Comment: This variant is considered likely benign or benign based on one or more of the following criteria: it is a conservative change, it occurs at a poorly conserved position in the protein, it is predicted to be benign by multiple in silico algorithms, and/or has population frequency not consistent with disease.

NM_020297.4(ABCC9):c.3097-15T>A

Gene: ABCC9 (ATP binding cassette subfamily C member 9; minus strand). Cytogenetic location: 12p12.1.
Variant type: single nucleotide variant.
Coding change: c.3097-15T>A on transcript NM_020297.4 (MANE Select); 15 bases into the intron before coding-DNA position 3097, T replaced by A.
Molecular consequence: intron variant.
Genome position (GRCh38, 1-based): chr12:21,844,930, A>T on the plus strand (T>A on the coding strand, the complement: ABCC9 is on the minus strand). VCF-style: chr12-21844930-A-T. GRCh37 (hg19) VCF-style: chr12-21997864-A-T.
Other names: c.2230-15T>A (NM_001377274.1); c.3097-15T>A (NM_005691.4, NM_001377273.1).
Identifiers: ClinVar variation 392318 (VCV000392318.3), dbSNP rs1057524442, ClinGen allele CA16606239.